The following is an entry in ClinVar:

ClinVar aggregate classification (germline): Conflicting classifications of pathogenicity. Review status: criteria provided, conflicting classifications (1 of 4 stars). 2 submissions from 2 submitters: Uncertain significance (1); Likely benign (1). Last evaluated 2024-11-13.

Conditions:
Surfactant metabolism dysfunction, pulmonary, 4 (SMDP4). Also called: PAP DUE TO CSF2RA DEFICIENCY; PULMONARY ALVEOLAR PROTEINOSIS, CONGENITAL, 4; CSF2RA DEFICIENCY. Identifiers: Orphanet 264675, MedGen C2677877, MONDO:0010424, OMIM 300770.

Allele frequency attached by ClinVar (database versions not stated): TOPMed 0.00018; ExAC 0.00029; ESP Exome Variant Server 0.00031.
gnomAD v4.1: 235 of 1,613,188 alleles (0.015%); highest among the groups gnomAD compares: Non-Finnish European, 0.019%; no homozygotes.

Submissions (2):

Labcorp Genetics (formerly Invitae), Labcorp
Classification: Uncertain significance for Surfactant metabolism dysfunction, pulmonary, 4. Last evaluated: 2024-11-13. Review status: criteria provided, single submitter. Criteria: Invitae Variant Classification Sherloc (09022015). Collection method: clinical testing. Allele origin: germline.
Comment: This sequence change replaces glycine, which is neutral and non-polar, with alanine, which is neutral and non-polar, at codon 177 of the CSF2RA protein (p.Gly177Ala). This variant is present in population databases (no rsID available, gnomAD 0.04%). This variant has not been reported in the literature in individuals affected with CSF2RA-related conditions. ClinVar contains an entry for this variant (Variation ID: 643235). Invitae Evidence Modeling of protein sequence and biophysical properties (such as structural, functional, and spatial information, amino acid conservation, physicochemical variation, residue mobility, and thermodynamic stability) has been performed for this missense variant. However, the output from this modeling did not meet the statistical confidence thresholds required to predict the impact of this variant on CSF2RA protein function. In summary, the available evidence is currently insufficient to determine the role of this variant in disease. Therefore, it has been classified as a Variant of Uncertain Significance.

CeGaT Center for Human Genetics Tuebingen
Classification: Likely benign. Last evaluated: 2024-06-01. Review status: criteria provided, single submitter. Criteria: CeGaT Center For Human Genetics Tuebingen Variant Classification Criteria Version 2. Collection method: clinical testing. Allele origin: germline. Affected: yes. Observed: 1 variant allele.
Comment: CSF2RA: BS2

NM_172245.4(CSF2RA):c.530G>C (p.Gly177Ala)

Gene: CSF2RA (colony stimulating factor 2 receptor subunit alpha; plus strand). Cytogenetic location: Xp22.33.
Variant type: single nucleotide variant.
Coding change: c.530G>C on transcript NM_172245.4 (MANE Select); coding-DNA position 530, G replaced by C.
Protein change: p.Gly177Ala; replaces glycine 177 with alanine.
Molecular consequence: missense variant. On other transcripts: non-coding transcript variant (1).
Genome position (GRCh38, 1-based): chrX:1,290,393, G>C. VCF-style: chrX-1290393-G-C. GRCh37 (hg19) VCF-style: chrX-1409286-G-C.
Other names: c.530G>C, p.Gly177Ala (NM_001161529.2, NM_001161530.2, NM_001161531.2 and 20 more transcripts); c.131G>C, p.Gly44Ala (NM_001161532.2); short protein forms G44A, G177A.
Identifiers: ClinVar variation 643235 (VCV000643235.24), dbSNP rs142203271, ClinGen allele CA10330857.